The following is an entry in ClinVar:

NM_002637.4(PHKA1):c.2471G>A (p.Gly824Asp)

Gene: PHKA1 (phosphorylase kinase regulatory subunit alpha 1; minus strand). Cytogenetic location: Xq13.1.
Variant type: single nucleotide variant.
Coding change: c.2471G>A on transcript NM_002637.4 (MANE Select); coding-DNA position 2471, G replaced by A.
Protein change: p.Gly824Asp; replaces glycine 824 with aspartic acid.
Molecular consequence: missense variant.
Genome position (GRCh38, 1-based): chrX:72,611,083, C>T on the plus strand (G>A on the coding strand, the complement: PHKA1 is on the minus strand). VCF-style: chrX-72611083-C-T. GRCh37 (hg19) VCF-style: chrX-71830933-C-T.
Other names: c.2471G>A, p.Gly824Asp (NM_001122670.2); c.2294G>A, p.Gly765Asp (NM_001172436.2); short protein forms G765D, G824D.
Identifiers: ClinVar variation 2817460 (VCV002817460.3), dbSNP rs2522444939, ClinGen allele CA413590102.
Genomic context (GRCh38, chrX:72,611,083, plus strand): 5'-AGTACCTCATCAAGTGCTTCCACTTTCTTCCTTAAGATCCCAGAAATGTATCGGATCAGG[C>T]CCCAGTGACGAATTTCTCCCACTTTGCCATACAGCTCGGTAAGAAGCTCTCTCACTGTAG-3'
Protein context (NP_002628.2, residues 814-834): YGKVGEIRHW[Gly824Asp]LIRYISGILR

ClinVar aggregate classification (germline): Uncertain significance (1 of 4 stars; one submission).

Conditions:
Glycogen storage disease IXd (GSD9D). Also called: GSD IXd; Muscle Phosphorylase Kinase Deficiency. Identifiers: Orphanet 715, MedGen C1845151, MONDO:0010362, OMIM 300559.

Submission:

Labcorp Genetics (formerly Invitae), Labcorp
Classification: Uncertain significance for Glycogen storage disease IXd. Last evaluated: 2024-12-30. Review status: criteria provided, single submitter. Criteria: Invitae Variant Classification Sherloc (09022015). Collection method: clinical testing. Allele origin: germline.
Comment: This sequence change replaces glycine, which is neutral and non-polar, with aspartic acid, which is acidic and polar, at codon 824 of the PHKA1 protein (p.Gly824Asp). This variant is not present in population databases (gnomAD no frequency). This variant has not been reported in the literature in individuals affected with PHKA1-related conditions. ClinVar contains an entry for this variant (Variation ID: 2817460). Invitae Evidence Modeling of protein sequence and biophysical properties (such as structural, functional, and spatial information, amino acid conservation, physicochemical variation, residue mobility, and thermodynamic stability) indicates that this missense variant is not expected to disrupt PHKA1 protein function with a negative predictive value of 80%. In summary, the available evidence is currently insufficient to determine the role of this variant in disease. Therefore, it has been classified as a Variant of Uncertain Significance.